The following is an entry in ClinVar:

NM_001099271.2(POC5):c.1645A>G (p.Thr549Ala)

Gene: POC5 (POC5 centriolar protein; minus strand). Cytogenetic location: 5q13.3.
Variant type: single nucleotide variant.
Coding change: c.1645A>G on transcript NM_001099271.2 (MANE Select); coding-DNA position 1645, A replaced by G.
Protein change: p.Thr549Ala; replaces threonine 549 with alanine.
Molecular consequence: missense variant.
Genome position (GRCh38, 1-based): chr5:75,674,518, T>C on the plus strand (A>G on the coding strand, the complement: POC5 is on the minus strand). VCF-style: chr5-75674518-T-C. GRCh37 (hg19) VCF-style: chr5-74970343-T-C.
Other names: c.1570A>G, p.Thr524Ala (NM_152408.3); short protein forms T524A, T549A.
Identifiers: ClinVar variation 2119647 (VCV002119647.4), dbSNP rs2478737444, ClinGen allele CA360154445.
Genomic context (GRCh38, chr5:75,674,518, plus strand): 5'-GAACACTTGTGAGAGACTGGGTGTGAGCTGATCTGGTTCCAAGTGATCTGGAAGCTGAGG[T>C]ACTACTTTCAGGATGAATGGTCCGGGGATATTTTGCTGCAGTTGCTTGAGGAATGGTTTG-3'
Protein context (NP_001092741.1, residues 539-559): YPRTIHPESS[Thr549Ala]SASRSLGTRS

ClinVar aggregate classification (germline): Uncertain significance (1 of 4 stars; one submission).

Allele frequency attached by ClinVar (database versions not stated): gnomAD exomes below 0.00001.

Submission:

Labcorp Genetics (formerly Invitae), Labcorp
Classification: Uncertain significance. Last evaluated: 2022-08-22. Review status: criteria provided, single submitter. Criteria: Invitae Variant Classification Sherloc (09022015). Collection method: clinical testing. Allele origin: germline.
Comment: In summary, the available evidence is currently insufficient to determine the role of this variant in disease. Therefore, it has been classified as a Variant of Uncertain Significance. Algorithms developed to predict the effect of missense changes on protein structure and function output the following: SIFT: "Not Available"; PolyPhen-2: "Benign"; Align-GVGD: "Not Available". The alanine amino acid residue is found in multiple mammalian species, which suggests that this missense change does not adversely affect protein function. This variant has not been reported in the literature in individuals affected with POC5-related conditions. This variant is not present in population databases (gnomAD no frequency). This sequence change replaces threonine, which is neutral and polar, with alanine, which is neutral and non-polar, at codon 549 of the POC5 protein (p.Thr549Ala).